The following is an entry in ClinVar:

ClinVar aggregate classification (germline): Uncertain significance. Review status: criteria provided, multiple submitters, no conflicts (2 of 4 stars). 3 submissions from 3 submitters: Uncertain significance (2). 1 of the submissions does not count toward it. Last evaluated 2024-05-27.

Conditions:
Polycystic kidney disease 4 (PKD4). Also called: POLYCYSTIC KIDNEY DISEASE 4 WITH OR WITHOUT POLYCYSTIC LIVER DISEASE; PKD3; Autosomal Recessive Polycystic Kidney Disease – PKHD1; POLYCYSTIC KIDNEY AND HEPATIC DISEASE 1; POLYCYSTIC KIDNEY DISEASE, INFANTILE, TYPE I. Identifiers: MedGen C4540575, MONDO:0033004, OMIM 263200.
Autosomal recessive polycystic kidney disease (ARPKD). Also called: AR polycystic kidney disease. Identifiers: Orphanet 731, Orphanet 8378, MedGen C0085548, MeSH D017044, MONDO:0009889.

Allele frequency attached by ClinVar (database versions not stated): ExAC 0.00001; gnomAD 0.00001; gnomAD exomes 0.00001.
gnomAD v4.1: 18 of 1,608,214 alleles (0.0011%); highest among the groups gnomAD compares: Non-Finnish European, 0.0014%; no homozygotes.

Submissions (3):

Fulgent Genetics
Classification: Uncertain significance for Polycystic kidney disease 4. Last evaluated: 2024-05-27. Review status: criteria provided, single submitter. Criteria: ACMG Guidelines, 2015. Collection method: clinical testing. Allele origin: germline.

Labcorp Genetics (formerly Invitae), Labcorp
Classification: Uncertain significance for Autosomal recessive polycystic kidney disease. Last evaluated: 2021-08-31. Review status: criteria provided, single submitter. Criteria: Invitae Variant Classification Sherloc (09022015). Collection method: clinical testing. Allele origin: germline.
Comment: This sequence change replaces histidine with glutamine at codon 3826 of the PKHD1 protein (p.His3826Gln). The histidine residue is moderately conserved and there is a small physicochemical difference between histidine and glutamine. This variant is present in population databases (rs775097870, ExAC 0.006%). This variant has not been reported in the literature in individuals affected with PKHD1-related conditions. Algorithms developed to predict the effect of missense changes on protein structure and function (SIFT, PolyPhen-2, Align-GVGD) all suggest that this variant is likely to be tolerated. Algorithms developed to predict the effect of sequence changes on RNA splicing suggest that this variant may create or strengthen a splice site. In summary, the available evidence is currently insufficient to determine the role of this variant in disease. Therefore, it has been classified as a Variant of Uncertain Significance.

Natera, Inc.
Classification: Uncertain significance for Autosomal recessive polycystic kidney disease. Last evaluated: 2020-09-16. Review status: no assertion criteria provided. Collection method: clinical testing. Allele origin: germline. Not counted in ClinVar's aggregate classification.

NM_138694.4(PKHD1):c.11478C>G (p.His3826Gln)

Gene: PKHD1 (PKHD1 ciliary IPT domain containing fibrocystin/polyductin; minus strand). Cytogenetic location: 6p12.3.
Variant type: single nucleotide variant.
Coding change: c.11478C>G on transcript NM_138694.4 (MANE Select); coding-DNA position 11478, C replaced by G.
Protein change: p.His3826Gln; replaces histidine 3826 with glutamine.
Molecular consequence: missense variant.
Genome position (GRCh38, 1-based): chr6:51,638,877, G>C on the plus strand (C>G on the coding strand, the complement: PKHD1 is on the minus strand). VCF-style: chr6-51638877-G-C. GRCh37 (hg19) VCF-style: chr6-51503675-G-C.
Other names: short protein forms H3826Q.
Identifiers: ClinVar variation 658673 (VCV000658673.8), dbSNP rs775097870, ClinGen allele CA3850848.